The following is an entry in ClinVar:

NM_004385.5(VCAN):c.8124A>T (p.Gly2708=)

Genes: VCAN (versican; plus strand), VCAN-AS1 (VCAN antisense RNA 1; minus strand). Cytogenetic location: 5q14.3.
Variant type: single nucleotide variant.
Coding change: c.8124A>T on transcript NM_004385.5 (MANE Select); coding-DNA position 8124, A replaced by T.
Protein change: p.Gly2708=; no amino-acid change (glycine 2708 retained).
Molecular consequence: synonymous variant. On other transcripts: intron variant (2).
Genome position (GRCh38, 1-based): chr5:83,541,127, A>T. VCF-style: chr5-83541127-A-T. GRCh37 (hg19) VCF-style: chr5-82836946-A-T.
Other names: c.5163A>T, p.Gly1721= (NM_001164097.2); c.4004-4410A>T (NM_001164098.2); c.1043-4410A>T (NM_001126336.3).
Identifiers: ClinVar variation 852499 (VCV000852499.10), dbSNP rs766882763, ClinGen allele CA121811621.
Genomic context (GRCh38, chr5:83,541,127, plus strand): 5'-CACGGCAACATCCCTGCCAATTCCTCGTAAGTCTGCCACAGTTATTCCAGAGATTGAAGG[A>T]ATAAAAGCTGAAGCAAAAGCCCTGGATGACATGTTTGAATCAAGCACTTTGTCTGATGGT-3'
Protein context (NP_004376.2, residues 2698-2718): KSATVIPEIE[Gly2708=]IKAEAKALDD

ClinVar aggregate classification (germline): Likely benign. Review status: criteria provided, multiple submitters, no conflicts (2 of 4 stars). 2 submissions from 2 submitters: Likely benign (2). Last evaluated 2026-01-16.

Conditions:
VCAN-related disorder. Also called: VCAN-related condition.

Allele frequency attached by ClinVar (database versions not stated): gnomAD 0.00001 and 0.00002; TOPMed 0.00002.
gnomAD v4.1: 14 of 1,614,036 alleles (0.00087%); highest among the groups gnomAD compares: East Asian, 0.0045%; no homozygotes.

Submissions (2):

PreventionGenetics, part of Exact Sciences
Classification: Likely benign for VCAN-related condition. Last evaluated: 2026-01-16. Review status: criteria provided, single submitter. Criteria: ACMG Guidelines, 2015. Collection method: clinical testing. Allele origin: germline.
Comment: This variant is classified as likely benign based on ACMG/AMP sequence variant interpretation guidelines (Richards et al. 2015 PMID: 25741868, with internal and published modifications).

Labcorp Genetics (formerly Invitae), Labcorp
Classification: Likely benign. Last evaluated: 2024-08-21. Review status: criteria provided, single submitter. Criteria: Invitae Variant Classification Sherloc (09022015). Collection method: clinical testing. Allele origin: germline.